The following is an entry in ClinVar:

ClinVar aggregate classification (germline): Uncertain significance (1 of 4 stars; one submission).

Conditions:
Cardiovascular phenotype. Identifiers: MedGen CN230736.

Submission:

Ambry Genetics
Classification: Uncertain significance for Cardiovascular phenotype. Last evaluated: 2025-04-30. Review status: criteria provided, single submitter. Criteria: Ambry Variant Classification Scheme 2023. Collection method: clinical testing. Allele origin: germline.
Comment: The p.K83R variant (also known as c.248A>G), located in coding exon 3 of the LDLRAP1 gene, results from an A to G substitution at nucleotide position 248. The lysine at codon 83 is replaced by arginine, an amino acid with highly similar properties. This amino acid position is conserved. In addition, this alteration is predicted to be tolerated by in silico analysis. Based on the available evidence, the clinical significance of this variant remains unclear.

NM_015627.3(LDLRAP1):c.248A>G (p.Lys83Arg)

Gene: LDLRAP1 (low density lipoprotein receptor adaptor protein 1; plus strand). Cytogenetic location: 1p36.11.
Variant type: single nucleotide variant.
Coding change: c.248A>G on transcript NM_015627.3 (MANE Select); coding-DNA position 248, A replaced by G.
Protein change: p.Lys83Arg; replaces lysine 83 with arginine.
Molecular consequence: missense variant.
Genome position (GRCh38, 1-based): chr1:25,554,876, A>G. VCF-style: chr1-25554876-A-G. GRCh37 (hg19) VCF-style: chr1-25881367-A-G.
Other names: short protein forms K83R.
Identifiers: ClinVar variation 4046775 (VCV004046775.1).